The following is an entry in ClinVar:

ClinVar aggregate classification (germline): Conflicting classifications of pathogenicity. Review status: criteria provided, conflicting classifications (1 of 4 stars). 4 submissions from 4 submitters: Likely pathogenic (2); Uncertain significance (2). Last evaluated 2026-09-28.

Conditions:
Early-infantile DEE. Also called: Early infantile epileptic encephalopathy; Early infantile epileptic encephalopathy with suppression bursts; Ohtahara syndrome. Identifiers: Orphanet 1934, MedGen C0393706, MONDO:0800491.

Allele frequency attached by ClinVar (database versions not stated): gnomAD exomes below 0.00001 and 0.00001; ExAC 0.00001.
gnomAD v4.1: 10 of 1,613,286 alleles (0.00062%); highest among the groups gnomAD compares: South Asian, 0.0033%; no homozygotes.

Submissions (4):

GeneDx
Classification: Likely pathogenic. Last evaluated: 2026-09-28. Review status: criteria provided, single submitter. Criteria: GeneDx Variant Classification Process June 2021. Collection method: clinical testing. Allele origin: germline.
Comment: Not observed at significant frequency in large population cohorts (gnomAD); In silico analysis supports that this missense variant has a deleterious effect on protein structure/function; This substitution is predicted to be within the C-terminal cytoplasmic domain; This variant is associated with the following publications: (PMID: 29991641, 32845893, 32276107, 23708187, 35074891)

Labcorp Genetics (formerly Invitae), Labcorp
Classification: Likely pathogenic for Early-infantile DEE. Last evaluated: 2024-04-22. Review status: criteria provided, single submitter. Criteria: Invitae Variant Classification Sherloc (09022015). Collection method: clinical testing. Allele origin: germline.
Comment: This sequence change replaces arginine, which is basic and polar, with tryptophan, which is neutral and slightly polar, at codon 1988 of the SCN1A protein (p.Arg1988Trp). This variant is present in population databases (rs756519197, gnomAD 0.0009%). This missense change has been observed in individuals with generalized epilepsy and febrile seizures plus (GEFS+) (PMID: 23708187; Invitae). This variant is also known as p.R1977W in NM_006920.6. ClinVar contains an entry for this variant (Variation ID: 654734). Advanced modeling of protein sequence and biophysical properties (such as structural, functional, and spatial information, amino acid conservation, physicochemical variation, residue mobility, and thermodynamic stability) performed at Invitae indicates that this missense variant is not expected to disrupt SCN1A protein function with a negative predictive value of 95%. In summary, the currently available evidence indicates that the variant is pathogenic, but additional data are needed to prove that conclusively. Therefore, this variant has been classified as Likely Pathogenic.

CeGaT Center for Human Genetics Tuebingen
Classification: Uncertain significance. Last evaluated: 2022-04-01. Review status: criteria provided, single submitter. Criteria: CeGaT Center For Human Genetics Tuebingen Variant Classification Criteria Version 2. Collection method: clinical testing. Allele origin: germline. Affected: yes. Observed: 1 variant allele.
Comment: SCN1A: PM2:Supporting, PP1, PP2, BP5

Laboratorio de Genetica e Diagnostico Molecular, Hospital Israelita Albert Einstein
Classification: Uncertain significance. Last evaluated: 2020-01-02. Review status: criteria provided, single submitter. Criteria: ACMG Guidelines, 2015. Collection method: clinical testing. Allele origin: germline. Affected: yes.
Comment: ACMG classification criteria: PM2, PP2

Literature cited by the submitters: PubMed 23708187 (cited by Labcorp Genetics (formerly Invitae), Labcorp).

NM_001165963.4(SCN1A):c.5962C>T (p.Arg1988Trp)

Genes: SCN1A (sodium voltage-gated channel alpha subunit 1; minus strand), LOC102724058 (uncharacterized LOC102724058; plus strand). Cytogenetic location: 2q24.3.
Variant type: single nucleotide variant.
Coding change: c.5962C>T on transcript NM_001165963.4 (MANE Select); coding-DNA position 5962, C replaced by T.
Protein change: p.Arg1988Trp; replaces arginine 1988 with tryptophan.
Molecular consequence: missense variant. On other transcripts: non-coding transcript variant (1).
Genome position (GRCh38, 1-based): chr2:165,991,313, G>A on the plus strand (C>T on the coding strand, the complement: SCN1A is on the minus strand). VCF-style: chr2-165991313-G-A. GRCh37 (hg19) VCF-style: chr2-166847823-G-A.
Other names: c.5878C>T, p.Arg1960Trp (NM_001165964.3, NM_001353957.2, NM_001353958.2); c.5962C>T, p.Arg1988Trp (NM_001202435.3, NM_001353948.2); c.5929C>T, p.Arg1977Trp (NM_001353949.2, NM_001353950.2, NM_001353951.2 and 2 more transcripts); c.5926C>T, p.Arg1976Trp (NM_001353954.2, NM_001353955.2); c.5875C>T, p.Arg1959Trp (NM_001353960.2); c.3520C>T, p.Arg1174Trp (NM_001353961.2); short protein forms R1977W, R1174W, R1988W, R1959W, R1960W, R1976W.
Identifiers: ClinVar variation 654734 (VCV000654734.46), dbSNP rs756519197, ClinGen allele CA1942623.